The following is an entry in ClinVar:

NM_001244008.2(KIF1A):c.3860G>A (p.Gly1287Asp)

Genes: KIF1A (kinesin family member 1A; minus strand), LOC126806583 (P300/CBP strongly-dependent group 1 enhancer GRCh37_chr2:241678910-241680109; plus strand). Cytogenetic location: 2q37.3.
Variant type: single nucleotide variant.
Coding change: c.3860G>A on transcript NM_001244008.2 (MANE Select); coding-DNA position 3860, G replaced by A.
Protein change: p.Gly1287Asp; replaces glycine 1287 with aspartic acid.
Molecular consequence: missense variant.
Genome position (GRCh38, 1-based): chr2:240,740,099, C>T on the plus strand (G>A on the coding strand, the complement: KIF1A is on the minus strand). VCF-style: chr2-240740099-C-T. GRCh37 (hg19) VCF-style: chr2-241679516-C-T.
Other names: c.3584G>A, p.Gly1195Asp (NM_001320705.2, NM_001330289.2, NM_001379638.1); c.3659G>A, p.Gly1220Asp (NM_001330290.2, NM_001379634.1, NM_001379635.1 and 1 more transcripts); c.3935G>A, p.Gly1312Asp (NM_001379631.1); c.3809G>A, p.Gly1270Asp (NM_001379632.1); c.3833G>A, p.Gly1278Asp (NM_001379633.1, NM_001379642.1, NM_001379645.1); c.3557G>A, p.Gly1186Asp (NM_001379636.1, NM_001379639.1, NM_001379641.1 and 5 more transcripts); c.3632G>A, p.Gly1211Asp (NM_001379637.1, NM_001379648.1); c.3554G>A, p.Gly1185Asp (NM_001379640.1); short protein forms G1185D, G1211D, G1312D, G1287D, G1186D, G1195D, G1270D, G1278D.
Identifiers: ClinVar variation 4789369 (VCV004789369.1).

ClinVar aggregate classification (germline): Uncertain significance (1 of 4 stars; one submission).

Conditions:
Neuropathy, hereditary sensory, type 2C. Also called: KIF1A-Related HSAN2 (HSAN2C); Hereditary sensory and autonomic neuropathy type IIC. Identifiers: Orphanet 970, MedGen C3280168, MONDO:0013634, OMIM 614213.
Hereditary spastic paraplegia 30. Identifiers: Orphanet 101010, MedGen C5235139, MONDO:0012476.
Intellectual disability, autosomal dominant 9 (NESCAVS). Also called: KIF1A-Related Neurodevelopmental Disorder; NESCAV SYNDROME. Identifiers: Orphanet 662367, MedGen C5393830, MONDO:0013656, OMIM 614255.

Submission:

Labcorp Genetics (formerly Invitae), Labcorp
Classification: Uncertain significance for Hereditary spastic paraplegia 30; Neuropathy, hereditary sensory, type 2C; Intellectual disability, autosomal dominant 9. Last evaluated: 2025-06-05. Review status: criteria provided, single submitter. Criteria: Invitae Variant Classification Sherloc (09022015). Collection method: clinical testing. Allele origin: germline.
Comment: This sequence change replaces glycine, which is neutral and non-polar, with aspartic acid, which is acidic and polar, at codon 1186 of the KIF1A protein (p.Gly1186Asp). This variant is not present in population databases (gnomAD no frequency). This variant has not been reported in the literature in individuals affected with KIF1A-related conditions. Invitae Evidence Modeling of protein sequence and biophysical properties (such as structural, functional, and spatial information, amino acid conservation, physicochemical variation, residue mobility, and thermodynamic stability) indicates that this missense variant is not expected to disrupt KIF1A protein function with a negative predictive value of 95%. In summary, the available evidence is currently insufficient to determine the role of this variant in disease. Therefore, it has been classified as a Variant of Uncertain Significance.